The following is an entry in ClinVar:

NM_001001331.4(ATP2B2):c.3407G>A (p.Arg1136Gln)

Gene: ATP2B2 (ATPase plasma membrane Ca2+ transporting 2; minus strand). Cytogenetic location: 3p25.3.
Variant type: single nucleotide variant.
Coding change: c.3407G>A on transcript NM_001001331.4 (MANE Select); coding-DNA position 3407, G replaced by A.
Protein change: p.Arg1136Gln; replaces arginine 1136 with glutamine.
Molecular consequence: missense variant.
Genome position (GRCh38, 1-based): chr3:10,338,189, C>T on the plus strand (G>A on the coding strand, the complement: ATP2B2 is on the minus strand). VCF-style: chr3-10338189-C-T. GRCh37 (hg19) VCF-style: chr3-10379873-C-T.
Other names: c.3272G>A, p.Arg1091Gln (NM_001330611.3, NM_001353564.1, NM_001363862.1 and 1 more transcripts); short protein forms R1091Q, R1136Q.
Identifiers: ClinVar variation 1314040 (VCV001314040.3), dbSNP rs1421474714, ClinGen allele CA351774465.

ClinVar aggregate classification (germline): Uncertain significance. Review status: criteria provided, single submitter (1 of 4 stars). 2 submissions from 2 submitters: Uncertain significance (1). 1 of the submissions does not count toward it. Last evaluated 2024-09-16.

Conditions:
ATP2B2-related disorder. Also called: ATP2B2-related condition.

Allele frequency attached by ClinVar (database versions not stated): gnomAD exomes below 0.00001.
gnomAD v4.1: 2 of 1,614,052 alleles (0.00012%); highest among the groups gnomAD compares: Non-Finnish European, 0.00017%; no homozygotes.

Submissions (2):

GeneDx
Classification: Uncertain significance. Last evaluated: 2024-09-16. Review status: criteria provided, single submitter. Criteria: GeneDx Variant Classification Process June 2021. Collection method: clinical testing. Allele origin: germline. Affected: yes.
Comment: Not observed at significant frequency in large population cohorts (gnomAD); In silico analysis supports that this missense variant has a deleterious effect on protein structure/function; Has not been previously published as pathogenic or benign to our knowledge

PreventionGenetics, part of Exact Sciences
Classification: Uncertain significance for ATP2B2-related condition. Last evaluated: 2024-05-02. Review status: no assertion criteria provided. Collection method: clinical testing. Allele origin: germline. Not counted in ClinVar's aggregate classification.
Comment: The ATP2B2 c.3272G>A variant is predicted to result in the amino acid substitution p.Arg1091Gln. To our knowledge, this variant has not been reported in the literature. This variant is reported in 0.00088% of alleles in individuals of European (Non-Finnish) descent in gnomAD. At this time, the clinical significance of this variant is uncertain due to the absence of conclusive functional and genetic evidence.